The following is an entry in ClinVar:

ClinVar aggregate classification (germline): Uncertain significance (1 of 4 stars; one submission).

Conditions:
Short-rib thoracic dysplasia 14 with polydactyly (SRTD14). Identifiers: Orphanet 397715, MedGen C4225286, MONDO:0014688, OMIM 616546.
Joubert syndrome 23 (JBTS23). Identifiers: Orphanet 475, MedGen C4084822, MONDO:0014664, OMIM 616490.

gnomAD v4.1: 1 of 1,608,614 alleles (0.000062%); highest among the groups gnomAD compares: Admixed American, 0.0017%; no homozygotes.

Submission:

Labcorp Genetics (formerly Invitae), Labcorp
Classification: Uncertain significance for Joubert syndrome 23; Short-rib thoracic dysplasia 14 with polydactyly. Last evaluated: 2022-07-30. Review status: criteria provided, single submitter. Criteria: Invitae Variant Classification Sherloc (09022015). Collection method: clinical testing. Allele origin: germline.
Comment: In summary, the available evidence is currently insufficient to determine the role of this variant in disease. Therefore, it has been classified as a Variant of Uncertain Significance. This sequence change replaces asparagine, which is neutral and polar, with aspartic acid, which is acidic and polar, at codon 879 of the KIAA0586 protein (p.Asn879Asp). This variant is present in population databases (no rsID available, gnomAD no frequency). This variant has not been reported in the literature in individuals affected with KIAA0586-related conditions. Algorithms developed to predict the effect of missense changes on protein structure and function output the following: SIFT: "Tolerated"; PolyPhen-2: "Benign"; Align-GVGD: "Class C0". The aspartic acid amino acid residue is found in multiple mammalian species, which suggests that this missense change does not adversely affect protein function.

NM_001329943.3(KIAA0586):c.2476A>G (p.Asn826Asp)

Gene: KIAA0586 (KIAA0586; plus strand). Cytogenetic location: 14q23.1.
Variant type: single nucleotide variant.
Coding change: c.2476A>G on transcript NM_001329943.3 (MANE Select); coding-DNA position 2476, A replaced by G.
Protein change: p.Asn826Asp; replaces asparagine 826 with aspartic acid.
Molecular consequence: missense variant.
Genome position (GRCh38, 1-based): chr14:58,470,646, A>G. VCF-style: chr14-58470646-A-G. GRCh37 (hg19) VCF-style: chr14-58937364-A-G.
Other names: c.2635A>G, p.Asn879Asp (NM_001244189.2); c.2431A>G, p.Asn811Asp (NM_001244190.2); c.2221A>G, p.Asn741Asp (NM_001244191.2, NM_001329945.2, NM_001364700.1 and 1 more transcripts); c.2344A>G, p.Asn782Asp (NM_001244192.2); c.2056A>G, p.Asn686Asp (NM_001244193.2); c.2476A>G, p.Asn826Asp (NM_001329944.2, NM_001329946.2, NM_001329947.2); c.2248A>G, p.Asn750Asp (NM_014749.5); short protein forms N741D, N782D, N826D, N686D, N750D, N811D, N879D.
Identifiers: ClinVar variation 2195403 (VCV002195403.4), dbSNP rs763982126, ClinGen allele CA389876171.
Genomic context (GRCh38, chr14:58,470,646, plus strand): 5'-AAAGCTGAATGTTGTATTCTGTTTTAGGTATTACCCAGTGTAGATATTGACAGCATTTCA[A>G]ATAGTAGTGCTGATGTCCTTTCACCTCTGTCTAGCCCCAAAGAAGCATCTCTTCCTCCTG-3'
Protein context (NP_001316872.1, residues 816-836): LPSVDIDSIS[Asn826Asp]SSADVLSPLS